The following is an entry in ClinVar:

ClinVar aggregate classification (germline): Uncertain significance (1 of 4 stars; one submission).

Conditions:
Familial focal epilepsy with variable foci (FPEVF). Identifiers: Orphanet 98820, MedGen C1858477, MONDO:0020310.

Allele frequency attached by ClinVar (database versions not stated): gnomAD exomes below 0.00001.
gnomAD v4.1: 1 of 1,600,584 alleles (0.000062%); highest among the groups gnomAD compares: Non-Finnish European, 0.000086%; no homozygotes.

Submission:

Labcorp Genetics (formerly Invitae), Labcorp
Classification: Uncertain significance for Familial focal epilepsy with variable foci. Last evaluated: 2016-06-24. Review status: criteria provided, single submitter. Criteria: Invitae Variant Classification Sherloc (09022015). Collection method: clinical testing. Allele origin: germline.
Comment: Nucleotide substitutions within the consensus splice site are relatively common causes of aberrant splicing (PMID: 17576681, 9536098). Algorithms developed to predict the effect of nucleotide changes on mRNA splicing suggest that this variant may alter mRNA splicing, but this prediction has not been confirmed by published transcriptional studies. This variant is not present in population databases (ExAC no frequency) and has not been reported in the literature in individuals with a DEPDC5-related disease. This sequence change falls in intron 11 of the DEPDC5 mRNA. It does not directly change the encoded amino acid sequence of the DEPDC5 protein, but it affects a nucleotide within the consensus splice site of the intron. In summary, this is a novel intronic change with uncertain impact on splicing. It has been classified as a Variant of Uncertain Significance.

Literature cited by the submitters: PubMed 17576681; PubMed 9536098.

NM_001242896.3(DEPDC5):c.694+5G>A

Gene: DEPDC5 (DEP domain containing 5, GATOR1 subcomplex subunit; plus strand). Cytogenetic location: 22q12.2.
Variant type: single nucleotide variant.
Coding change: c.694+5G>A on transcript NM_001242896.3 (MANE Select); 5 bases into the intron after coding-DNA position 694, G replaced by A.
Molecular consequence: intron variant.
Genome position (GRCh38, 1-based): chr22:31,792,107, G>A. VCF-style: chr22-31792107-G-A. GRCh37 (hg19) VCF-style: chr22-32188093-G-A.
Other names: c.694+5G>A (NM_001364318.2, NM_001136029.4, NM_014662.6 and 7 more transcripts); c.610+5G>A (NM_001369902.1, NM_001369901.1).
Identifiers: ClinVar variation 407339 (VCV000407339.8), dbSNP rs1060501485, ClinGen allele CA16616596.